The following is an entry in ClinVar:

ClinVar aggregate classification (germline): Conflicting classifications of pathogenicity. Review status: criteria provided, conflicting classifications (1 of 4 stars). 5 submissions from 5 submitters: Uncertain significance (1); Likely benign (3). 1 of the submissions does not count toward it. Last evaluated 2026-04-01.

Conditions:
MCM4-related disorder. Also called: MCM4-related condition.
Primary immunodeficiency with natural-killer cell deficiency and adrenal insufficiency (IMD54). Also called: Natural killer cell and glucocorticoid deficiency with DNA repair defect; IMMUNODEFICIENCY 54. Identifiers: Orphanet 75391, MedGen C1864947, MONDO:0012383, OMIM 609981.

Allele frequency attached by ClinVar (database versions not stated): TOPMed 0.00014; ESP Exome Variant Server 0.00015; 1000 Genomes Project 30x 0.00016; 1000 Genomes Project 0.00020.
gnomAD v4.1: 214 of 1,613,714 alleles (0.013%); highest among the groups gnomAD compares: Middle Eastern, 0.12%; no homozygotes.

Submissions (5):

CeGaT Center for Human Genetics Tuebingen
Classification: Likely benign. Last evaluated: 2026-04-01. Review status: criteria provided, single submitter. Criteria: CeGaT Center For Human Genetics Tuebingen Variant Classification Criteria Version 2. Collection method: clinical testing. Allele origin: germline. Affected: yes. Observed: 1 variant allele.
Comment: MCM4: BP4, BP7

Labcorp Genetics (formerly Invitae), Labcorp
Classification: Likely benign. Last evaluated: 2026-01-20. Review status: criteria provided, single submitter. Criteria: Invitae Variant Classification Sherloc (09022015). Collection method: clinical testing. Allele origin: germline.

Blueprint Genetics
Classification: Likely benign. Last evaluated: 2024-04-19. Review status: criteria provided, single submitter. Criteria: ACMG Guidelines, 2015. Collection method: clinical testing. Allele origin: germline.

Illumina Laboratory Services, Illumina
Classification: Uncertain significance for Primary immunodeficiency with natural-killer cell deficiency and adrenal insufficiency. Last evaluated: 2018-01-12. Review status: criteria provided, single submitter. Criteria: ICSL Variant Classification Criteria 13 December 2019. Collection method: clinical testing. Allele origin: germline.

PreventionGenetics, part of Exact Sciences
Classification: Likely benign for MCM4-related condition. Last evaluated: 2019-07-12. Review status: no assertion criteria provided. Collection method: clinical testing. Allele origin: germline. Not counted in ClinVar's aggregate classification.
Comment: This variant is classified as likely benign based on ACMG/AMP sequence variant interpretation guidelines (Richards et al. 2015 PMID: 25741868, with internal and published modifications).

NM_182746.3(MCM4):c.1728C>T (p.Phe576=)

Gene: MCM4 (minichromosome maintenance complex component 4; plus strand). Cytogenetic location: 8q11.21.
Variant type: single nucleotide variant.
Coding change: c.1728C>T on transcript NM_182746.3 (MANE Select); coding-DNA position 1728, C replaced by T.
Protein change: p.Phe576=; no amino-acid change (phenylalanine 576 retained).
Molecular consequence: synonymous variant.
Genome position (GRCh38, 1-based): chr8:47,970,804, C>T. VCF-style: chr8-47970804-C-T. GRCh37 (hg19) VCF-style: chr8-48883364-C-T.
Other names: c.1728C>T, p.Phe576= (NM_005914.4).
Identifiers: ClinVar variation 909877 (VCV000909877.16), dbSNP rs148525401, ClinGen allele CA4742679.
Genomic context (GRCh38, chr8:47,970,804, plus strand): 5'-GGTCCTGCAGACAGGTGCTCTTGTCCTGAGTGACAACGGCATCTGCTGTATCGATGAGTT[C>T]GACAAGATGAATGAAAGTACAAGATCGGTATTGCATGAAGTCATGGAACAGCAGACTCTG-3'
Protein context (NP_877423.1, residues 566-586): SDNGICCIDE[Phe576=]DKMNESTRSV